The following is an entry in ClinVar:

NM_001401501.2(MUC16):c.34446C>T (p.His11482=)

Gene: MUC16 (mucin 16, cell surface associated; minus strand). Cytogenetic location: 19p13.2.
Variant type: single nucleotide variant.
Coding change: c.34446C>T on transcript NM_001401501.2 (MANE Select); coding-DNA position 34446, C replaced by T.
Protein change: p.His11482=; no amino-acid change (histidine 11482 retained).
Molecular consequence: synonymous variant.
Genome position (GRCh38, 1-based): chr19:8,936,629, G>A on the plus strand (C>T on the coding strand, the complement: MUC16 is on the minus strand). VCF-style: chr19-8936629-G-A. GRCh37 (hg19) VCF-style: chr19-9047305-G-A.
Other names: c.34872C>T, p.His11624= (NM_001414686.1); c.34326C>T, p.His11442= (NM_001414687.1, NM_024690.2).
Identifiers: ClinVar variation 3056148 (VCV003056148.2), dbSNP rs10415818, ClinGen allele CA9166253.

ClinVar aggregate classification (germline): Benign (0 of 4 stars; one submission).

Conditions:
MUC16-related disorder. Also called: MUC16-related condition.

Allele frequency attached by ClinVar (database versions not stated): 1000 Genomes Project 30x 0.18239; 1000 Genomes Project 0.18331; TOPMed 0.23797; gnomAD 0.24730; ExAC 0.25716; ESP Exome Variant Server 0.25987; gnomAD exomes 0.28406.

Submission:

PreventionGenetics, part of Exact Sciences
Classification: Benign for MUC16-related condition. Last evaluated: 2019-11-11. Review status: no assertion criteria provided. Collection method: clinical testing. Allele origin: germline.
Comment: This variant is classified as benign based on ACMG/AMP sequence variant interpretation guidelines (Richards et al. 2015 PMID: 25741868, with internal and published modifications).